The following is an entry in ClinVar:

ClinVar aggregate classification (germline): Uncertain significance (1 of 4 stars; one submission).

Conditions:
ERCC2-related disorder. Also called: ERCC2-related disorders; ERCC2-related conditions; ERCC2-related condition. Identifiers: MedGen CN239291.

gnomAD v4.1: 25 of 1,614,072 alleles (0.0015%); highest among the groups gnomAD compares: East Asian, 0.051%; no homozygotes.

Submission:

Myriad Genetics, Inc.
Classification: Uncertain significance for ERCC2-related disorder. Last evaluated: 2026-05-26. Review status: criteria provided, single submitter. Criteria: Myriad Autosomal Dominant, Autosomal Recessive and X-Linked Classification Criteria (2023). Collection method: clinical testing. Allele origin: unknown.
Comment: NM_000400.3(ERCC2):c.2031G>A(M677I) is a missense variant classified as a variant of uncertain significance in the context of ERCC2-related disorders. M677I has not been observed in cases with relevant disease. Relevant functional assessments of this variant are not available in the literature. M677I has been observed in referenced population frequency databases. In summary, there is insufficient evidence to classify NM_000400.3(ERCC2):c.2031G>A(M677I) as pathogenic or benign. Please note: this variant was assessed in the context of healthy population screening.

NM_000400.4(ERCC2):c.2031G>A (p.Met677Ile)

Gene: ERCC2 (ERCC excision repair 2, TFIIH core complex helicase subunit; minus strand). Cytogenetic location: 19q13.32.
Variant type: single nucleotide variant.
Coding change: c.2031G>A on transcript NM_000400.4 (MANE Select); coding-DNA position 2031, G replaced by A.
Protein change: p.Met677Ile; replaces methionine 677 with isoleucine.
Molecular consequence: missense variant. On other transcripts: non-coding transcript variant (3).
Genome position (GRCh38, 1-based): chr19:45,352,521, C>T on the plus strand (G>A on the coding strand, the complement: ERCC2 is on the minus strand). VCF-style: chr19-45352521-C-T. GRCh37 (hg19) VCF-style: chr19-45855779-C-T.
Other names: c.1959G>A, p.Met653Ile (NM_001440355.1); c.1953G>A, p.Met651Ile (NM_001440356.1); c.1908G>A, p.Met636Ile (NM_001440357.1); short protein forms M636I, M653I, M677I, M651I.
Identifiers: ClinVar variation 5003936 (VCV005003936.1).